The following is an entry in ClinVar:

NM_144658.4(DOCK11):c.4204A>T (p.Thr1402Ser)

Gene: DOCK11 (dedicator of cytokinesis 11; plus strand). Cytogenetic location: Xq24.
Variant type: single nucleotide variant.
Coding change: c.4204A>T on transcript NM_144658.4 (MANE Select); coding-DNA position 4204, A replaced by T.
Protein change: p.Thr1402Ser; replaces threonine 1402 with serine.
Molecular consequence: missense variant.
Genome position (GRCh38, 1-based): chrX:118,641,249, A>T. VCF-style: chrX-118641249-A-T. GRCh37 (hg19) VCF-style: chrX-117775212-A-T.
Other names: short protein forms T1402S.
Identifiers: ClinVar variation 3778183 (VCV003778183.7).

ClinVar aggregate classification (germline): Uncertain significance (1 of 4 stars; one submission).

Submission:

CeGaT Center for Human Genetics Tuebingen
Classification: Uncertain significance. Last evaluated: 2025-03-01. Review status: criteria provided, single submitter. Criteria: CeGaT Center For Human Genetics Tuebingen Variant Classification Criteria Version 2. Collection method: clinical testing. Allele origin: germline. Affected: yes. Observed: 1 variant allele.
Comment: DOCK11: PM2